The following is an entry in ClinVar:

ClinVar aggregate classification (germline): Likely benign (1 of 4 stars; one submission).

Submission:

CeGaT Center for Human Genetics Tuebingen
Classification: Likely benign. Last evaluated: 2025-11-01. Review status: criteria provided, single submitter. Criteria: CeGaT Center For Human Genetics Tuebingen Variant Classification Criteria Version 2. Collection method: clinical testing. Allele origin: germline. Affected: yes. Observed: 1 variant allele.
Comment: SPRTN: PM2:Supporting, BP4, BP7

NM_032018.7(SPRTN):c.1407T>C (p.Asn469=)

Gene: SPRTN (SprT-like N-terminal domain; plus strand). Cytogenetic location: 1q42.2.
Variant type: single nucleotide variant.
Coding change: c.1407T>C on transcript NM_032018.7 (MANE Select); coding-DNA position 1407, T replaced by C.
Protein change: p.Asn469=; no amino-acid change (asparagine 469 retained).
Molecular consequence: synonymous variant. On other transcripts: 3 prime UTR variant (2).
Genome position (GRCh38, 1-based): chr1:231,353,298, T>C. VCF-style: chr1-231353298-T-C. GRCh37 (hg19) VCF-style: chr1-231489044-T-C.
Other names: c.*1692T>C (NM_001010984.4, NM_001261462.3).
Identifiers: ClinVar variation 4535282 (VCV004535282.6).